The following is an entry in ClinVar:

ClinVar aggregate classification (germline): Benign (1 of 4 stars; one submission).

Allele frequency attached by ClinVar (database versions not stated): TOPMed 0.51093; gnomAD 0.51674 and 0.52436; 1000 Genomes Project 30x 0.53435; 1000 Genomes Project 0.54373.
gnomAD v4.1: 79,747 of 151,914 alleles (52%); highest among the groups gnomAD compares: East Asian, 80%; 22,403 homozygotes.

Submission:

GeneDx
Classification: Benign. Last evaluated: 2018-06-18. Review status: criteria provided, single submitter. Criteria: GeneDx Variant Classification (06012015). Collection method: clinical testing. Allele origin: germline. Affected: yes.
Comment: This variant is considered likely benign or benign based on one or more of the following criteria: it is a conservative change, it occurs at a poorly conserved position in the protein, it is predicted to be benign by multiple in silico algorithms, and/or has population frequency not consistent with disease.

NM_001035.3(RYR2):c.1293-292A>C

Gene: RYR2 (ryanodine receptor 2; plus strand). Cytogenetic location: 1q43.
Variant type: single nucleotide variant.
Coding change: c.1293-292A>C on transcript NM_001035.3 (MANE Select); 292 bases into the intron before coding-DNA position 1293, A replaced by C.
Molecular consequence: intron variant.
Genome position (GRCh38, 1-based): chr1:237,454,099, A>C. VCF-style: chr1-237454099-A-C. GRCh37 (hg19) VCF-style: chr1-237617399-A-C.
Identifiers: ClinVar variation 683764 (VCV000683764.1), dbSNP rs4258212, ClinGen allele CA10757279.